The following is an entry in ClinVar:

ClinVar aggregate classification (germline): Uncertain significance (1 of 4 stars; one submission).

Submission:

GeneDx
Classification: Uncertain significance. Last evaluated: 2025-06-23. Review status: criteria provided, single submitter. Criteria: GeneDx Variant Classification Process June 2021. Collection method: clinical testing. Allele origin: germline. Affected: yes.
Comment: Not observed at significant frequency in large population cohorts (gnomAD); In silico analysis supports that this missense variant has a deleterious effect on protein structure/function; Has not been previously published as pathogenic or benign to our knowledge

NM_014370.4(SRPK3):c.646G>C (p.Glu216Gln)

Gene: SRPK3 (SRSF protein kinase 3; plus strand). Cytogenetic location: Xq28.
Variant type: single nucleotide variant.
Coding change: c.646G>C on transcript NM_014370.4 (MANE Select); coding-DNA position 646, G replaced by C.
Protein change: p.Glu216Gln; replaces glutamic acid 216 with glutamine.
Molecular consequence: missense variant.
Genome position (GRCh38, 1-based): chrX:153,783,016, G>C. VCF-style: chrX-153783016-G-C. GRCh37 (hg19) VCF-style: chrX-153048471-G-C.
Other names: c.646G>C, p.Glu216Gln (NM_001170760.2, NM_001170761.2); short protein forms E216Q.
Identifiers: ClinVar variation 4540299 (VCV004540299.1).